The following is an entry in ClinVar:

NM_000368.5(TSC1):c.348A>T (p.Leu116Phe)

Gene: TSC1 (TSC complex subunit 1; minus strand). Cytogenetic location: 9q34.13.
Variant type: single nucleotide variant.
Coding change: c.348A>T on transcript NM_000368.5 (MANE Select); coding-DNA position 348, A replaced by T.
Protein change: p.Leu116Phe; replaces leucine 116 with phenylalanine.
Molecular consequence: missense variant. On other transcripts: 5 prime UTR variant (1), intron variant (1).
Genome position (GRCh38, 1-based): chr9:132,925,602, T>A on the plus strand (A>T on the coding strand, the complement: TSC1 is on the minus strand). VCF-style: chr9-132925602-T-A. GRCh37 (hg19) VCF-style: chr9-135800989-T-A.
Other names: c.348A>T, p.Leu116Phe (NM_001162426.2); c.-16A>T (NM_001362177.2); c.210+1599A>T (NM_001162427.2); short protein forms L116F.
Identifiers: ClinVar variation 466139 (VCV000466139.28), dbSNP rs755799702, ClinGen allele CA037162.

ClinVar aggregate classification (germline): Conflicting classifications of pathogenicity. Review status: criteria provided, conflicting classifications (1 of 4 stars). 8 submissions from 8 submitters: Uncertain significance (5); Likely benign (2). 1 of the submissions does not count toward it. Last evaluated 2026-01-12.

Conditions:
Tuberous sclerosis syndrome (TSC). Also called: Tuberous Sclerosis Complex; Tuberous sclerosis. Identifiers: Orphanet 805, MedGen C0041341, MONDO:0001734.
Hereditary cancer-predisposing syndrome. Also called: Hereditary neoplastic syndrome; Neoplastic Syndromes, Hereditary; Tumor predisposition; Hereditary Cancer Syndrome. Identifiers: Orphanet 140162, MedGen C0027672, MeSH D009386, MONDO:0015356.
TSC1-related disorder. Also called: TSC1-related condition.
Tuberous sclerosis 1 (TSC1). Identifiers: Orphanet 805, MedGen C1854465, MONDO:0008612, OMIM 191100.

Allele frequency attached by ClinVar (database versions not stated): gnomAD exomes below 0.00001; ExAC 0.00001.
gnomAD v4.1: 4 of 1,614,200 alleles (0.00025%); highest among the groups gnomAD compares: Non-Finnish European, 0.00034%; no homozygotes.

Submissions (8):

Labcorp Genetics (formerly Invitae), Labcorp
Classification: Likely benign for Tuberous sclerosis 1. Last evaluated: 2026-01-12. Review status: criteria provided, single submitter. Criteria: Invitae Variant Classification Sherloc (09022015). Collection method: clinical testing. Allele origin: germline.

Color Diagnostics, LLC DBA Color Health
Classification: Uncertain significance for Tuberous sclerosis syndrome. Last evaluated: 2025-05-27. Review status: criteria provided, single submitter. Criteria: ACMG Guidelines, 2015. Collection method: clinical testing. Allele origin: germline.
Comment: This missense variant replaces leucine with phenylalanine at codon 116 of the TSC1 protein. Computational prediction is inconclusive regarding the impact of this variant on protein structure and function. To our knowledge, functional studies have not been reported for this variant. This variant has not been reported in individuals affected with TSC1-related disorders in the literature. This variant has been identified in 1/251212 chromosomes in the general population by the Genome Aggregation Database (gnomAD). The available evidence is insufficient to determine the role of this variant in disease conclusively. Therefore, this variant is classified as a Variant of Uncertain Significance.

Johns Hopkins Genomics, Johns Hopkins University
Classification: Uncertain significance for Tuberous sclerosis 1. Last evaluated: 2023-06-30. Review status: criteria provided, single submitter. Criteria: ACMG Guidelines, 2015. Collection method: clinical testing. Allele origin: germline.
Comment: This N-terminal missense variant in TSC1 has not been reported in individuals with features of tuberous-sclerosis 1, to our knowledge. It (rs755799702) is rare (<0.1%) in a large population dataset5 (gnomADv2.1.1: 1/251212 total alleles; 0.0004%; no homozygotes) and has been reported in ClinVar (Variation ID: 466139). Two bioinformatic tools queried predict that this substitution would be damaging and the leucine residue at this position is evolutionarily conserved across all but one of the species assessed. We consider the clinical significance of TSC1 c.348A>T to be uncertain at this time.

All of Us Research Program, National Institutes of Health
Classification: Uncertain significance for Tuberous sclerosis syndrome. Last evaluated: 2023-06-26. Review status: criteria provided, single submitter. Criteria: ACMG Guidelines, 2015. Collection method: clinical testing. Allele origin: germline. Inheritance: Autosomal dominant inheritance. Observed: 3 variant alleles, 3 heterozygotes.
Comment: This missense variant replaces leucine with phenylalanine at codon 116 of the TSC1 protein. Computational prediction is inconclusive regarding the impact of this variant on protein structure and function (internally defined REVEL score threshold 0.5 < inconclusive < 0.7, PMID: 27666373). To our knowledge, functional studies have not been reported for this variant. This variant has not been reported in individuals affected with TSC1-related disorders in the literature. This variant has been identified in 1/251212 chromosomes in the general population by the Genome Aggregation Database (gnomAD). The available evidence is insufficient to determine the role of this variant in disease conclusively. Therefore, this variant is classified as a Variant of Uncertain Significance.

This study involves interpretation of variants in research participants for the purpose of population health screening. Participant phenotype was not available at the time of variant classification. Additional details can be found in publication PMID: 35346344, PMCID: PMC8962531

Ambry Genetics
Classification: Likely benign for Hereditary cancer-predisposing syndrome. Last evaluated: 2022-09-06. Review status: criteria provided, single submitter. Criteria: Ambry Variant Classification Scheme 2023. Collection method: clinical testing. Allele origin: germline.

Genome-Nilou Lab
Classification: Uncertain significance for Tuberous sclerosis 1. Last evaluated: 2021-11-07. Review status: criteria provided, single submitter. Criteria: ACMG Guidelines, 2015. Collection method: clinical testing. Allele origin: germline. Affected: no.

GeneDx
Classification: Uncertain significance. Last evaluated: 2019-08-13. Review status: criteria provided, single submitter. Criteria: GeneDx Variant Classification Process June 2021. Collection method: clinical testing. Allele origin: germline. Affected: yes.
Comment: In silico analysis, which includes protein predictors and evolutionary conservation, supports a deleterious effect; Has not been previously published as pathogenic or benign to our knowledge

PreventionGenetics, part of Exact Sciences
Classification: Uncertain significance for TSC1-related condition. Last evaluated: 2024-08-22. Review status: no assertion criteria provided. Collection method: clinical testing. Allele origin: germline. Not counted in ClinVar's aggregate classification.
Comment: The TSC1 c.348A>T variant is predicted to result in the amino acid substitution p.Leu116Phe. To our knowledge, this variant has not been reported in the literature. This variant is reported in 0.00088% of alleles in individuals of European (Non-Finnish) descent in gnomAD and has conflicting interpretations regarding its pathogenicity in ClinVar, ranging from likely benign to uncertain. At this time, the clinical significance of this variant is uncertain due to the absence of conclusive functional and genetic evidence.

Literature cited by the submitters: PubMed 12040899 (cited by Johns Hopkins Genomics, Johns Hopkins University); PubMed 18801034 (cited by Johns Hopkins Genomics, Johns Hopkins University); PubMed 18830229 (cited by Johns Hopkins Genomics, Johns Hopkins University).